The following is an entry in ClinVar:

NM_001756.4(SERPINA6):c.344T>A (p.Leu115His)

Gene: SERPINA6 (serpin family A member 6; minus strand). Cytogenetic location: 14q32.13.
Variant type: single nucleotide variant.
Coding change: c.344T>A on transcript NM_001756.4 (MANE Select); coding-DNA position 344, T replaced by A.
Protein change: p.Leu115His; replaces leucine 115 with histidine.
Molecular consequence: missense variant.
Genome position (GRCh38, 1-based): chr14:94,314,305, A>T on the plus strand (T>A on the coding strand, the complement: SERPINA6 is on the minus strand). VCF-style: chr14-94314305-A-T. GRCh37 (hg19) VCF-style: chr14-94780642-A-T.
Other names: L93H; short protein forms L115H.
Identifiers: ClinVar variation 16974 (VCV000016974.55), dbSNP rs113418909, ClinGen allele CA127007.

ClinVar aggregate classification (germline): Conflicting classifications of pathogenicity. Review status: criteria provided, conflicting classifications (1 of 4 stars). 7 submissions from 7 submitters: Pathogenic (1); Likely pathogenic (2); Uncertain significance (1); Likely benign (1). 2 of the submissions do not count toward it. Last evaluated 2025-07-22.

Conditions:
SERPINA6-related disorder. Also called: SERPINA6-related condition.
Corticosteroid-binding globulin deficiency. Also called: CBG DEFICIENCY; TRANSCORTIN DEFICIENCY. Identifiers: Orphanet 199247, MedGen C1852529, MONDO:0012675, OMIM 611489.

Allele frequency attached by ClinVar (database versions not stated): 1000 Genomes Project 30x 0.00125; ExAC 0.00221; gnomAD exomes 0.00223 and 0.00251; gnomAD 0.00236; 1000 Genomes Project 0.00140; TOPMed 0.00210.
gnomAD v4.1: 3,970 of 1,614,130 alleles (0.25%); highest among the groups gnomAD compares: Non-Finnish European, 0.29%; 3 homozygotes.

Submissions (7):

GeneDx
Classification: Likely pathogenic. Last evaluated: 2025-07-22. Review status: criteria provided, single submitter. Criteria: GeneDx Variant Classification Process June 2021. Collection method: clinical testing. Allele origin: germline. Affected: yes.
Comment: Observed in the homozygous state or with an additional SERPINA6 variant in patients with decreased cortisol-binding activity, but has not been described in association with frank CBG deficiency (PMID: 1504007, 7061486); Published functional studies demonstrate a damaging effect with reduced cortisol binding affinity (PMID: 1504007); In silico analysis supports that this missense variant has a deleterious effect on protein structure/function; Also known as L93H and CBG Leuven using alternate nomenclature; This variant is associated with the following publications: (PMID: 7061486, 1504007, 8212073, 22013108, 25010111, 30409984, 34308089, 27113851, 36681594, 38941154)

Laboratory of Genetics, Children's Clinical University Hospital Latvia
Classification: Pathogenic. Last evaluated: 2025-02-16. Review status: criteria provided, single submitter. Criteria: ACMG Guidelines, 2015. Collection method: clinical testing. Allele origin: germline. Affected: yes.

Women's Health and Genetics/Laboratory Corporation of America, LabCorp
Classification: Likely benign. Last evaluated: 2024-05-10. Review status: criteria provided, single submitter. Criteria: LabCorp Variant Classification Summary - May 2015. Collection method: clinical testing. Allele origin: germline.
Comment: Variant summary: SERPINA6 c.344T>A (p.Leu115His) results in a non-conservative amino acid change located in the Serpin domain (IPR023796) of the encoded protein sequence. Five of five in-silico tools predict a damaging effect of the variant on protein function. The variant allele was found at a frequency of 0.0022 in 251354 control chromosomes, predominantly at a frequency of 0.0033 within the Non-Finnish European subpopulation in the gnomAD database, strongly suggesting that the variant is a benign polymorphism found primarily in populations of Non-Finnish European origin. c.344T>A has been reported in the literature in one individual affected with multiple diseases including diabetes mellitus, coronary artery disease, hypertension, osteoarthritis, gastric erosions secondary to the use of nonsteroidal anti-inflammatory drugs, septic shock and acute respiratory failure (Smith_1992). These report(s) do not provide unequivocal conclusions about association of the variant with Corticosteroid-Binding Globulin Deficiency. At least one publication reports experimental evidence evaluating an impact on protein function. The most pronounced variant effect results in >50%-90% of normal steroid binding capacity in Chinese hamster ovary cells (Smith_1992). The following publication has been ascertained in the context of this evaluation (PMID: 1504007). ClinVar contains an entry for this variant (Variation ID: 16974). Based on the evidence outlined above, the variant was classified as likely benign.

Department of Pathology and Laboratory Medicine, Sinai Health System
Classification: Likely pathogenic for Corticosteroid-binding globulin deficiency. Last evaluated: 2023-08-09. Review status: criteria provided, single submitter. Criteria: ACMG Guidelines, 2015. Collection method: research. Allele origin: germline.

CeGaT Center for Human Genetics Tuebingen
Classification: Uncertain significance. Last evaluated: 2019-10-01. Review status: criteria provided, single submitter. Criteria: CeGaT Center For Human Genetics Tuebingen Variant Classification Criteria Version 2. Collection method: clinical testing. Allele origin: germline. Affected: yes. Observed: 1 variant allele.

PreventionGenetics, part of Exact Sciences
Classification: Uncertain significance for SERPINA6-related condition. Last evaluated: 2023-12-07. Review status: no assertion criteria provided. Collection method: clinical testing. Allele origin: germline. Not counted in ClinVar's aggregate classification.
Comment: The SERPINA6 c.344T>A variant is predicted to result in the amino acid substitution p.Leu115His. To our knowledge, this variant has not been reported in the literature. This variant is reported in 0.34% of alleles in individuals of European (Non-Finnish) descent in gnomAD. At this time, the clinical significance of this variant is uncertain due to the absence of conclusive functional and genetic evidence.

OMIM
Classification: Pathogenic for CORTICOSTEROID-BINDING GLOBULIN DEFICIENCY. Last evaluated: 1993-06-01. Review status: no assertion criteria provided. Collection method: literature only. Allele origin: germline. Not counted in ClinVar's aggregate classification.

Literature cited by the submitters: PubMed 1504007 (cited by Women's Health and Genetics/Laboratory Corporation of America, LabCorp); PubMed 7061486 (cited by OMIM); PubMed 8212073 (cited by OMIM).